The following is an entry in ClinVar:

NM_005144.5(HR):c.3192C>T (p.Arg1064=)

Gene: HR (HR lysine demethylase and nuclear receptor corepressor; minus strand). Cytogenetic location: 8p21.3.
Variant type: single nucleotide variant.
Coding change: c.3192C>T on transcript NM_005144.5 (MANE Select); coding-DNA position 3192, C replaced by T.
Protein change: p.Arg1064=; no amino-acid change (arginine 1064 retained).
Molecular consequence: synonymous variant.
Genome position (GRCh38, 1-based): chr8:22,118,971, G>A on the plus strand (C>T on the coding strand, the complement: HR is on the minus strand). VCF-style: chr8-22118971-G-A. GRCh37 (hg19) VCF-style: chr8-21976484-G-A.
Other names: c.3192C>T, p.Arg1064= (NM_018411.4).
Identifiers: ClinVar variation 362482 (VCV000362482.9), dbSNP rs114507110, ClinGen allele CA4661859.

ClinVar aggregate classification (germline): Benign. Review status: criteria provided, multiple submitters, no conflicts (2 of 4 stars). 3 submissions from 2 submitters: Benign (3). Last evaluated 2024-04-25.

Conditions:
Atrichia with papular lesions (APL). Also called: PAPULAR ATRICHIA. Identifiers: Orphanet 86819, MedGen C1859592, MONDO:0008847, OMIM 209500.
Alopecia universalis congenita (ALUNC). Also called: ATRICHIA, GENERALIZED. Identifiers: Orphanet 701, MedGen C1859877, MONDO:0008757, OMIM 203655.

Allele frequency attached by ClinVar (database versions not stated): gnomAD exomes 0.00132; ExAC 0.00150; ESP Exome Variant Server 0.00408; gnomAD 0.00495 and 0.00527; TOPMed 0.00507; 1000 Genomes Project 0.00699; 1000 Genomes Project 30x 0.00703.
gnomAD v4.1: 1,674 of 1,611,874 alleles (0.1%); highest among the groups gnomAD compares: African/African-American, 1.8%; 17 homozygotes.

Submissions (3):

Labcorp Genetics (formerly Invitae), Labcorp
Classification: Benign. Last evaluated: 2024-04-25. Review status: criteria provided, single submitter. Criteria: Invitae Variant Classification Sherloc (09022015). Collection method: clinical testing. Allele origin: germline.

Illumina Laboratory Services, Illumina
Classification: Benign for Atrichia with papular lesions. Last evaluated: 2018-01-13. Review status: criteria provided, single submitter. Criteria: ICSL Variant Classification Criteria 13 December 2019. Collection method: clinical testing. Allele origin: germline.
Comment: This variant was observed in the ICSL laboratory as part of a predisposition screen in an ostensibly healthy population. It had not been previously curated by ICSL or reported in the Human Gene Mutation Database (HGMD: prior to June 1st, 2018), and was therefore a candidate for classification through an automated scoring system. Utilizing variant allele frequency, disease prevalence and penetrance estimates, and inheritance mode, an automated score was calculated to assess if this variant is too frequent to cause the disease. Based on the score and internal cut-off values, a variant classified as benign is not then subjected to further curation. The score for this variant resulted in a classification of benign for this disease.

Illumina Laboratory Services, Illumina
Classification: Benign for Alopecia universalis congenita. Last evaluated: 2018-01-13. Review status: criteria provided, single submitter. Criteria: ICSL Variant Classification Criteria 13 December 2019. Collection method: clinical testing. Allele origin: germline.
Comment: the same text as in the submission from Illumina Laboratory Services, Illumina above.